The following is an entry in ClinVar:

NM_018417.6(ADCY10):c.253+1G>A

Genes: ADCY10 (adenylate cyclase 10; minus strand), DCAF6 (DDB1 and CUL4 associated factor 6; plus strand). Cytogenetic location: 1q24.2.
Variant type: single nucleotide variant.
Coding change: c.253+1G>A on transcript NM_018417.6 (MANE Select); the canonical splice donor site of the intron after coding-DNA position 253, G replaced by A.
Molecular consequence: splice donor variant. On other transcripts: intron variant (1).
Genome position (GRCh38, 1-based): chr1:167,903,886, C>T on the plus strand (G>A on the coding strand, the complement: ADCY10 is on the minus strand). VCF-style: chr1-167903886-C-T. GRCh37 (hg19) VCF-style: chr1-167873124-C-T.
Other names: c.-62-1832G>A (NM_001167749.3); c.-61+1G>A (NM_001297772.2).
Identifiers: ClinVar variation 2001177 (VCV002001177.4), dbSNP rs772865627, ClinGen allele CA1228368.

ClinVar aggregate classification (germline): Likely pathogenic (1 of 4 stars; one submission).

gnomAD v4.1: 9 of 1,605,170 alleles (0.00056%); highest among the groups gnomAD compares: Non-Finnish European, 0.00051%; no homozygotes.

Submission:

Labcorp Genetics (formerly Invitae), Labcorp
Classification: Likely pathogenic. Last evaluated: 2024-01-19. Review status: criteria provided, single submitter. Criteria: Invitae Variant Classification Sherloc (09022015). Collection method: clinical testing. Allele origin: germline.
Comment: This sequence change affects a donor splice site in intron 3 of the ADCY10 gene. It is expected to disrupt RNA splicing. Variants that disrupt the donor or acceptor splice site typically lead to a loss of protein function (PMID: 16199547), and loss-of-function variants in ADCY10 are known to be pathogenic (PMID: 31119281). This variant is present in population databases (rs772865627, gnomAD 0.008%). This variant has not been reported in the literature in individuals affected with ADCY10-related conditions. ClinVar contains an entry for this variant (Variation ID: 2001177). Algorithms developed to predict the effect of sequence changes on RNA splicing suggest that this variant may disrupt the consensus splice site. In summary, the currently available evidence indicates that the variant is pathogenic, but additional data are needed to prove that conclusively. Therefore, this variant has been classified as Likely Pathogenic.

Literature cited by the submitters: PubMed 16199547; PubMed 31119281.